The following continues an entry in ClinVar:

NM_000492.4(CFTR):c.2417A>G (p.Asp806Gly)

Gene: CFTR. ClinVar aggregate classification (germline): Conflicting classifications of pathogenicity. Pathogenic (3); Likely pathogenic (11); Uncertain significance (5).

Submissions 10 to 21 of 21:

ARUP Laboratories, Molecular Genetics and Genomics, ARUP Laboratories
Classification: Uncertain significance. Last evaluated: 2024-12-13. Review status: criteria provided, single submitter. Criteria: ARUP Molecular Germline Variant Investigation Process 2024. Collection method: clinical testing. Allele origin: germline.
Comment: The CFTR c.2417A>G; p.Asp806Gly variant (rs397508375; ClinVar Variation ID: 53487) is reported in the literature in the compound heterozygous state with a second pathogenic variant in individuals affected with cystic fibrosis (Petrova 2019, Strom 2003). It has also been reported with F508del in a newborn with a normal sweat chloride (Narzi 2007). One functional study showed that the variant protein has ~50% of baseline function compared to wild type (Bihler 2024). This variant is only found on two alleles in the Genome Aggregation Database (v2.1.1), indicating it is not a common polymorphism. Computational analyses predict that this variant is deleterious (REVEL: 0.929). Due to limited information, the clinical significance of this variant is uncertain at this time. References: Bihler H et al. In vitro modulator responsiveness of 655 CFTR variants found in people with cystic fibrosis. J Cyst Fibros. 2024 Jul;23(4):664-675. PMID: 38388235. Narzi L et al. Does cystic fibrosis neonatal screening detect atypical CF forms? Extended genetic characterization and 4-year clinical follow-up. Clin Genet. 2007 Jul;72(1):39-46. Petrova NV et al. Comprehensive genotyping reveals novel CFTR variants in cystic fibrosis patients from the Russian Federation. Clin Genet. 2019 Mar;95(3):444-447. PMID: 30548586. Strom CM et al. Extensive sequencing of the cystic fibrosis transmembrane regulator gene: assay validation and unexpected benefits of developing a comprehensive test. Genet Med. 2003 Jan-Feb;5(1):9-14.

Blueprint Genetics
Classification: Likely pathogenic for CFTR-related disorders. Last evaluated: 2024-11-25. Review status: criteria provided, single submitter. Criteria: ACMG Guidelines, 2015. Collection method: clinical testing. Allele origin: germline. Affected: yes. Observed: 4 variant alleles.

Fulgent Genetics
Classification: Likely pathogenic for Hereditary pancreatitis; Bronchiectasis with or without elevated sweat chloride 1; Cystic fibrosis; Congenital bilateral aplasia of vas deferens from CFTR mutation. Last evaluated: 2024-05-13. Review status: criteria provided, single submitter. Criteria: ACMG Guidelines, 2015. Collection method: clinical testing. Allele origin: germline.

Baylor Genetics
Classification: Pathogenic for Bronchiectasis with or without elevated sweat chloride 1. Last evaluated: 2024-03-27. Review status: criteria provided, single submitter. Criteria: ACMG Guidelines, 2015. Collection method: clinical testing. Allele origin: unknown.

GeneDx
Classification: Uncertain significance. Last evaluated: 2023-07-10. Review status: criteria provided, single submitter. Criteria: GeneDx Variant Classification Process June 2021. Collection method: clinical testing. Allele origin: germline. Affected: yes.
Comment: Observed with other CFTR variants, phase (cis or trans) unknown, in individuals with sweat chloride levels or nasal potential difference (NPD) within normal range (Narzi 2007, Tridello 2016); Not observed at significant frequency in large population cohorts (gnomAD); In silico analysis supports that this missense variant has a deleterious effect on protein structure/function; This variant is associated with the following publications: (PMID: 34426522, 30938940, 30548586, 17594398, 12544470, 32429104, 33572515, 25880441, 19897426, 25735457, 27423539, 34996830, 34405919, 36717774)

Genome-Nilou Lab
Classification: Uncertain significance for Cystic fibrosis. Last evaluated: 2021-07-22. Review status: criteria provided, single submitter. Criteria: ACMG Guidelines, 2015. Collection method: clinical testing. Allele origin: germline. Affected: no.

Genome-Nilou Lab
Classification: Likely pathogenic for Congenital bilateral aplasia of vas deferens from CFTR mutation. Last evaluated: 2021-07-22. Review status: criteria provided, single submitter. Criteria: ACMG Guidelines, 2015. Collection method: clinical testing. Allele origin: germline. Affected: no.

Genome Diagnostics Laboratory, The Hospital for Sick Children
Classification: Likely pathogenic for Cystic fibrosis. Last evaluated: 2020-03-16. Review status: criteria provided, single submitter. Criteria: ACMG Guidelines, 2015. Collection method: clinical testing. Allele origin: germline.

Baylor Genetics
Classification: Pathogenic for Congenital bilateral aplasia of vas deferens from CFTR mutation; Cystic fibrosis. Review status: criteria provided, single submitter. Criteria: ACMG Guidelines, 2015. Collection method: clinical testing. Allele origin: germline.

Kariminejad - Najmabadi Pathology & Genetics Center
Classification: Likely pathogenic for Cystic fibrosis. Review status: criteria provided, single submitter. Criteria: ACMG Guidelines, 2015. Collection method: clinical testing. Allele origin: germline. Affected: no.

Genome Diagnostics Laboratory, The Hospital for Sick Children
Classification: Likely pathogenic for CFTR-related disorders. Last evaluated: 2020-03-16. Review status: no assertion criteria provided. Collection method: clinical testing. Allele origin: germline. Not counted in ClinVar's aggregate classification.

ClinVar Staff, National Center for Biotechnology Information (NCBI)
No classification provided. Condition: CFTR-related disorders. Review status: no classification provided. Collection method: literature only. Allele origin: germline. Affected: yes. Not counted in ClinVar's aggregate classification.

Literature cited by the submitters: PubMed 12544470 (cited by 6 submitters); PubMed 30548586 (cited by 6 submitters); PubMed 32429104 (cited by Labcorp Genetics (formerly Invitae), Labcorp and Quest Diagnostics Nichols Institute San Juan Capistrano); PubMed 27423539 (cited by Natera, Inc. and Quest Diagnostics Nichols Institute San Juan Capistrano); PubMed 34740355 (cited by Dasa); PubMed 39677473 (cited by Dasa); PubMed 19897426 (cited by Women's Health and Genetics/Laboratory Corporation of America, LabCorp and Quest Diagnostics Nichols Institute San Juan Capistrano); PubMed 17594398 (cited by 4 submitters); PubMed 25735457 (cited by Women's Health and Genetics/Laboratory Corporation of America, LabCorp and Quest Diagnostics Nichols Institute San Juan Capistrano); PubMed 25880441 (cited by Women's Health and Genetics/Laboratory Corporation of America, LabCorp and Quest Diagnostics Nichols Institute San Juan Capistrano); PubMed 30938940 (cited by Women's Health and Genetics/Laboratory Corporation of America, LabCorp and Quest Diagnostics Nichols Institute San Juan Capistrano); PubMed 33572515 (cited by Women's Health and Genetics/Laboratory Corporation of America, LabCorp and Quest Diagnostics Nichols Institute San Juan Capistrano); PubMed 34405919 (cited by Women's Health and Genetics/Laboratory Corporation of America, LabCorp); PubMed 36717774 (cited by Women's Health and Genetics/Laboratory Corporation of America, LabCorp and Ambry Genetics); PubMed 38388235 (cited by Women's Health and Genetics/Laboratory Corporation of America, LabCorp and Quest Diagnostics Nichols Institute San Juan Capistrano); PubMed 34426522 (cited by Quest Diagnostics Nichols Institute San Juan Capistrano); PubMed 34996830 (cited by Quest Diagnostics Nichols Institute San Juan Capistrano); PubMed 27287722 (cited by Quest Diagnostics Nichols Institute San Juan Capistrano).